The following is an entry in ClinVar:

NM_001079668.3(NKX2-1):c.470G>A (p.Arg157His)

Genes: NKX2-1 (NK2 homeobox 1; minus strand), SFTA3 (surfactant associated 3; minus strand). Cytogenetic location: 14q13.3.
Variant type: single nucleotide variant.
Coding change: c.470G>A on transcript NM_001079668.3 (MANE Select); coding-DNA position 470, G replaced by A.
Protein change: p.Arg157His; replaces arginine 157 with histidine.
Molecular consequence: missense variant.
Genome position (GRCh38, 1-based): chr14:36,518,014, C>T on the plus strand (G>A on the coding strand, the complement: NKX2-1 is on the minus strand). VCF-style: chr14-36518014-C-T. GRCh37 (hg19) VCF-style: chr14-36987219-C-T.
Other names: c.380G>A, p.Arg127His (NM_003317.4); c.470G>A (NM_001079668.2); short protein forms R127H, R157H.
Identifiers: ClinVar variation 3777128 (VCV003777128.1).

ClinVar aggregate classification (germline): Uncertain significance (1 of 4 stars; one submission).

Conditions:
Benign hereditary chorea (BHC). Also called: Benign Hereditary Chorea (BHC); HEREDITARY PROGRESSIVE CHOREA WITHOUT DEMENTIA. Identifiers: Orphanet 1429, MedGen C0393584, MONDO:0021011, OMIM 118700.

Submission:

University of Washington Department of Laboratory Medicine, University of Washington
Classification: Uncertain significance for Benign hereditary chorea. Last evaluated: 2023-03-28. Review status: criteria provided, single submitter. Criteria: ACMG Guidelines, 2015. Collection method: clinical testing. Allele origin: unknown. Affected: yes.
Comment: The p.Arg157His variant in the NKX2-1 gene has not been previously reported in association with disease. This variant was absent from large population databases, including the Genome Aggregation Database. In silico tools do not consistently predict if the p.Arg157His variant impacts protein function; however, these predictions have not been tested directly. Using ACMG guidelines, this variant was classified as a variant of uncertain significance (ACMG evidence codes used: PM2_supporting).